The following is an entry in ClinVar:

ClinVar aggregate classification (germline): Uncertain significance (1 of 4 stars; one submission).

Submission:

GeneDx
Classification: Uncertain significance. Last evaluated: 2024-03-15. Review status: criteria provided, single submitter. Criteria: GeneDx Variant Classification Process June 2021. Collection method: clinical testing. Allele origin: germline. Affected: yes.
Comment: Not observed at significant frequency in large population cohorts (gnomAD); In silico analysis supports that this missense variant does not alter protein structure/function; Has not been previously published as pathogenic or benign to our knowledge

NM_020988.3(GNAO1):c.929G>A (p.Ser310Asn)

Gene: GNAO1 (G protein subunit alpha o1; plus strand). Cytogenetic location: 16q13.
Variant type: single nucleotide variant.
Coding change: c.929G>A on transcript NM_020988.3 (MANE Select); coding-DNA position 929, G replaced by A.
Protein change: p.Ser310Asn; replaces serine 310 with asparagine.
Molecular consequence: missense variant.
Genome position (GRCh38, 1-based): chr16:56,354,917, G>A. VCF-style: chr16-56354917-G-A. GRCh37 (hg19) VCF-style: chr16-56388829-G-A.
Other names: short protein forms S310N.
Identifiers: ClinVar variation 3370912 (VCV003370912.1).